The following is an entry in ClinVar:

ClinVar aggregate classification (germline): Likely pathogenic. Review status: criteria provided, multiple submitters, no conflicts (2 of 4 stars). 4 submissions from 4 submitters: Likely pathogenic (4). Last evaluated 2025-07-11.

Conditions:
Cardiovascular phenotype. Identifiers: MedGen CN230736.
Primary dilated cardiomyopathy (DCM). Also called: Dilated Cardiomyopathy. Identifiers: Orphanet 217604, MedGen C0007193, MeSH D002311, MONDO:0005021, HP:0001644. Inheritance: Various modes of inheritance.
Dilated cardiomyopathy 1G (CMD1G). Identifiers: Orphanet 154, MedGen C1858763, MONDO:0011400, OMIM 604145.
Autosomal recessive limb-girdle muscular dystrophy type 2J (LGMDR10). Also called: Limb-girdle muscular dystrophy, type 2J; MUSCULAR DYSTROPHY, LIMB-GIRDLE, AUTOSOMAL RECESSIVE 10. Identifiers: Orphanet 140922, MedGen C1837342, MONDO:0012127, OMIM 608807.

Submissions (4):

Ambry Genetics
Classification: Likely pathogenic for Cardiovascular phenotype. Last evaluated: 2025-07-11. Review status: criteria provided, single submitter. Criteria: Ambry Variant Classification Scheme 2023. Collection method: clinical testing. Allele origin: germline.
Comment: The c.31425delA variant, located in coding exon 125 of the TTN gene, results from a deletion of one nucleotide at nucleotide position 31425, causing a translational frameshift with a predicted alternate stop codon (p.V10476Ffs*22). This exon is located in the A-band region of the N2-B isoform of the titin protein and is constitutively expressed in TTN transcripts (percent spliced in or PSI 100%). This variant was reported in individual(s) with features consistent with dilated cardiomyopathy (DCM) (Burstein DS et al. Pediatr Res, 2021 May;89:1470-1476). This variant is considered to be rare based on population cohorts in the Genome Aggregation Database (gnomAD). This variant is expected to result in loss of function by premature protein truncation or nonsense-mediated mRNA decay. While truncating variants in TTN are present in 1-3% of the general population, truncating variants in the A-band are the most common cause of dilated cardiomyopathy (Herman DS et al. N. Engl. J. Med., 2012 Feb;366:619-28; Roberts AM et al. Sci Transl Med, 2015 Jan;7:270ra6). TTN truncating variants encoded in constitutive exons (PSI >90%) have been found to be significantly associated with DCM regardless of their position in titin (Schafer S et al. Nat. Genet., 2017 01;49:46-53; Akhtar MM et al. Circ Heart Fail, 2020 Oct;13:e006832; Massier M et al. Clin Genet, 2025 Jan). Based on the majority of available evidence to date, this variant is likely to be pathogenic.

Labcorp Genetics (formerly Invitae), Labcorp
Classification: Likely pathogenic for Dilated cardiomyopathy 1G; Autosomal recessive limb-girdle muscular dystrophy type 2J. Last evaluated: 2025-06-03. Review status: criteria provided, single submitter. Criteria: Invitae Variant Classification Sherloc (09022015). Collection method: clinical testing. Allele origin: germline.
Comment: This sequence change creates a premature translational stop signal (p.Val19541Phefs*22) in the TTN gene. While this is not anticipated to result in nonsense mediated decay, it is expected to create a truncated TTN protein. This variant is not present in population databases (gnomAD no frequency). This premature translational stop signal has been observed in individual(s) with centronuclear myopathy and/or dilated cardiomyopathy (PMID: 23975875, 32746448). This variant is also known as c.58845delA, c.50916delA, and p.K16972fs. ClinVar contains an entry for this variant (Variation ID: 645756). This variant is located in the A band of TTN (PMID: 25589632). Truncating variants in this region are significantly overrepresented in patients affected with dilated cardiomyopathy (PMID: 25589632). Truncating variants in this region have also been reported in individuals affected with autosomal recessive centronuclear myopathy (PMID: 23975875). In summary, the currently available evidence indicates that the variant is pathogenic, but additional data are needed to prove that conclusively. Therefore, this variant has been classified as Likely Pathogenic.

Illumina Laboratory Services, Illumina
Classification: Likely pathogenic for Primary dilated cardiomyopathy. Last evaluated: 2024-03-12. Review status: criteria provided, single submitter. Criteria: ICSLVariantClassificationCriteria RUGD 01 April 2020. Collection method: clinical testing. Allele origin: unknown.
Comment: The TTN c.58620del p.(Val19541PhefsTer22) variant, also referred to as p.K16972fs, causes a shift in the protein reading frame that is predicted to result in premature termination of the protein. Loss of normal protein function through either protein truncation or nonsense-mediated mRNA decay is expected. This variant is located in exon 298 of the meta transcript of titin within the A-band, which is highly expressed in cardiac tissue (PMID: 25589632). In a meta-analysis of TTN truncating variants in DCM patients and controls, variants in this region were associated with a significantly increased risk of developing DCM (odds ratio 49.8) (PMID: 27869827). This variant has been identified in an individual with a phenotype consistent with DCM (PMID: 32746448), and in the compound heterozygous state in an individual with centronuclear myopathy (PMID: 23975875). This variant is not observed in version 2.1.1 or version 4.0.0 of the Genome Aggregation Database. Based on the available evidence, the c.58620del p.(Val19541PhefsTer22) variant is classified as likely pathogenic for dilated cardiomyopathy.

GeneDx
Classification: Likely pathogenic. Last evaluated: 2023-05-15. Review status: criteria provided, single submitter. Criteria: GeneDx Variant Classification Process June 2021. Collection method: clinical testing. Allele origin: germline. Affected: yes.
Comment: Variant (reported as c.50916delA due to alternate nomenclature) has been reported in the literature in a patient with autosomal recessive centronuclear myopathy (CNM) who also harbored the E6077K variant in the TTN gene (Ceyhan-Birsoy et al., 2013); Frameshift variant predicted to result in protein truncation or nonsense mediated decay in a gene for which loss-of-function is a known mechanism of disease; Located in the A-band region of TTN in which the majority of loss of function variants have been associated with autosomal dominant titinopathies (Herman et al., 2012); Not observed at significant frequency in large population cohorts (gnomAD); This variant is associated with the following publications: (PMID: 23975875, 22335739, 32746448, 32778822)

Literature cited by the submitters: PubMed 32746448 (cited by 3 submitters); PubMed 23975875 (cited by Labcorp Genetics (formerly Invitae), Labcorp and Illumina Laboratory Services, Illumina); PubMed 25589632 (cited by Labcorp Genetics (formerly Invitae), Labcorp and Illumina Laboratory Services, Illumina); PubMed 27869827 (cited by Illumina Laboratory Services, Illumina).

NM_001267550.2(TTN):c.58620del (p.Val19541fs)

Genes: TTN (titin; minus strand), TTN-AS1 (TTN antisense RNA 1; plus strand). Cytogenetic location: 2q31.2.
Variant type: Deletion.
Coding change: c.58620del on transcript NM_001267550.2 (MANE Select); coding-DNA position 58620, one base deleted (A; older notation c.58620delA).
Protein change: p.Val19541fs; shifts the reading frame from valine 19541.
Molecular consequence: frameshift variant.
Genome position (GRCh38, 1-based): chr2:178,593,680, T deleted on the plus strand (A on the coding strand, the reverse complement: TTN is on the minus strand); the first of 3 consecutive T bases (chr2:178,593,680-178,593,682); deleting any one gives the same sequence. VCF-style (leftmost placement, unchanged base first): chr2-178593679-CT-C. GRCh37 (hg19) VCF-style: chr2-179458406-CT-C.
Other names: c.31425del, p.Val10476fs (NM_003319.4); c.50916del, p.Val16973fs (NM_133378.4); c.31800del, p.Val10601fs (NM_133432.3); c.32001del, p.Val10668fs (NM_133437.4); c.53697del, p.Val17900fs (NM_001256850.1); c.58620delA (NM_001267550.2); c.53697delA (NM_001256850.1); c.31425delA (NM_003319.4); and 1 more; short protein forms V10601fs, V19541fs, V10476fs, V16973fs, V10668fs, V17900fs.
Identifiers: ClinVar variation 645756 (VCV000645756.15), dbSNP rs1576147786, ClinGen allele CA915942210.
Genomic context (GRCh38, chr2:178,593,679, plus strand): 5'-CATACAGATTTTCAGCATGTATCCGGAAAATATAATCTTTTCCTTCAAGTAGTTTAGAAA[CT>C]TTGCATGTTGTTTTAGCACTTGCAGATGTCACTGGCATCCAGACGTCTTTACCCACTTCC-3'